The following is an entry in ClinVar:

NM_001943.5(DSG2):c.2166A>T (p.Arg722Ser)

Genes: DSG2 (desmoglein 2; plus strand), DSG2-AS1 (DSG2 antisense RNA 1; minus strand). Cytogenetic location: 18q12.1.
Variant type: single nucleotide variant.
Coding change: c.2166A>T on transcript NM_001943.5 (MANE Select); coding-DNA position 2166, A replaced by T.
Protein change: p.Arg722Ser; replaces arginine 722 with serine.
Molecular consequence: missense variant.
Genome position (GRCh38, 1-based): chr18:31,542,684, A>T. VCF-style: chr18-31542684-A-T. GRCh37 (hg19) VCF-style: chr18-29122647-A-T.
Other names: short protein forms R722S.
Identifiers: ClinVar variation 1023929 (VCV001023929.8), dbSNP rs2073276336, ClinGen allele CA402142273.
Genomic context (GRCh38, chr18:31,542,684, plus strand): 5'-TTCCATTGTCAAAGGGCAACATGAGATGTCCGAGATGGATGGAAGGTGGGAAGAACACAG[A>T]AGCCTGCTTTCTGGTAGAGCTACCCAGTTTACAGGGGCCACAGGCGCTATCATGACCACT-3'
Protein context (NP_001934.2, residues 712-732): SEMDGRWEEH[Arg722Ser]SLLSGRATQF

ClinVar aggregate classification (germline): Uncertain significance (1 of 4 stars; one submission).

Conditions:
Arrhythmogenic right ventricular dysplasia 10. Also called: Arrhythmogenic Right Ventricular Dysplasia/Cardiomyopathy10; ARRHYTHMOGENIC RIGHT VENTRICULAR DYSPLASIA, FAMILIAL, 10; Arrhythmogenic right ventricular dysplasia/cardiomyopathy, type 10. Identifiers: MedGen C1857777, MONDO:0012434, OMIM 610193.

Submission:

Labcorp Genetics (formerly Invitae), Labcorp
Classification: Uncertain significance for Arrhythmogenic right ventricular dysplasia 10. Last evaluated: 2024-02-17. Review status: criteria provided, single submitter. Criteria: Invitae Variant Classification Sherloc (09022015). Collection method: clinical testing. Allele origin: germline.
Comment: This sequence change replaces arginine, which is basic and polar, with serine, which is neutral and polar, at codon 722 of the DSG2 protein (p.Arg722Ser). This variant is not present in population databases (gnomAD no frequency). This variant has not been reported in the literature in individuals affected with DSG2-related conditions. ClinVar contains an entry for this variant (Variation ID: 1023929). Advanced modeling of protein sequence and biophysical properties (such as structural, functional, and spatial information, amino acid conservation, physicochemical variation, residue mobility, and thermodynamic stability) performed at Invitae indicates that this missense variant is not expected to disrupt DSG2 protein function with a negative predictive value of 95%. In summary, the available evidence is currently insufficient to determine the role of this variant in disease. Therefore, it has been classified as a Variant of Uncertain Significance.